The following is an entry in ClinVar:

ClinVar aggregate classification (germline): Uncertain significance (1 of 4 stars; one submission).

Conditions:
Pulmonary fibrosis and/or bone marrow failure, Telomere-related, 3. Also called: PULMONARY FIBROSIS AND/OR BONE MARROW FAILURE SYNDROME, TELOMERE-RELATED, 3. Identifiers: Orphanet 2032, MedGen C4225346, MONDO:0014613, OMIM 616373.
Dyskeratosis congenita, autosomal recessive 5 (DKCB5). Identifiers: MedGen C3554656, MONDO:0014076, OMIM 615190.

Submission:

Labcorp Genetics (formerly Invitae), Labcorp
Classification: Uncertain significance for Dyskeratosis congenita, autosomal recessive 5; Pulmonary fibrosis and/or bone marrow failure, Telomere-related, 3. Last evaluated: 2023-03-23. Review status: criteria provided, single submitter. Criteria: Invitae Variant Classification Sherloc (09022015). Collection method: clinical testing. Allele origin: germline.
Comment: This sequence change replaces glycine, which is neutral and non-polar, with glutamic acid, which is acidic and polar, at codon 1037 of the RTEL1 protein (p.Gly1037Glu). This variant is not present in population databases (gnomAD no frequency). This variant has not been reported in the literature in individuals affected with RTEL1-related conditions. Algorithms developed to predict the effect of missense changes on protein structure and function output the following: SIFT: "Not Available"; PolyPhen-2: "Benign"; Align-GVGD: "Not Available". The glutamic acid amino acid residue is found in multiple mammalian species, which suggests that this missense change does not adversely affect protein function. Algorithms developed to predict the effect of sequence changes on RNA splicing suggest that this variant may disrupt the consensus splice site. In summary, the available evidence is currently insufficient to determine the role of this variant in disease. Therefore, it has been classified as a Variant of Uncertain Significance.

NM_001283009.2(RTEL1):c.3110G>A (p.Gly1037Glu)

Genes: RTEL1 (regulator of telomere elongation helicase 1; plus strand), RTEL1-TNFRSF6B (RTEL1-TNFRSF6B readthrough (NMD candidate); plus strand). Cytogenetic location: 20q13.33.
Variant type: single nucleotide variant.
Coding change: c.3110G>A on transcript NM_001283009.2 (MANE Select); coding-DNA position 3110, G replaced by A.
Protein change: p.Gly1037Glu; replaces glycine 1037 with glutamic acid.
Molecular consequence: missense variant. On other transcripts: non-coding transcript variant (1).
Genome position (GRCh38, 1-based): chr20:63,694,741, G>A. VCF-style: chr20-63694741-G-A. GRCh37 (hg19) VCF-style: chr20-62326094-G-A.
Other names: c.2441G>A, p.Gly814Glu (NM_001283010.1); c.3110G>A, p.Gly1037Glu (NM_016434.4); c.3182G>A, p.Gly1061Glu (NM_032957.5); short protein forms G1037E, G1061E, G814E.
Identifiers: ClinVar variation 2938988 (VCV002938988.3), dbSNP rs2517197506, ClinGen allele CA409684769.